The following is an entry in ClinVar:

NM_002485.5(NBN):c.672del (p.Thr226fs)

Gene: NBN (nibrin; minus strand). Cytogenetic location: 8q21.3.
Variant type: Deletion.
Coding change: c.672del on transcript NM_002485.5 (MANE Select); coding-DNA position 672, one base deleted (G; older notation c.672delG).
Protein change: p.Thr226fs; shifts the reading frame from threonine 226.
Molecular consequence: frameshift variant.
Genome position (GRCh38, 1-based): chr8:89,971,203, C deleted on the plus strand (G on the coding strand, the reverse complement: NBN is on the minus strand); the first of 3 consecutive C bases (chr8:89,971,203-89,971,205); deleting any one gives the same sequence. VCF-style (leftmost placement, unchanged base first): chr8-89971202-TC-T. GRCh37 (hg19) VCF-style: chr8-90983430-TC-T.
Other names: c.426del, p.Thr144fs (NM_001024688.3); short protein forms T226fs, T144fs.
Identifiers: ClinVar variation 826585 (VCV000826585.4), dbSNP rs1586088503, ClinGen allele CA915945791.

ClinVar aggregate classification (germline): Pathogenic (1 of 4 stars; one submission).

Conditions:
Hereditary cancer-predisposing syndrome. Also called: Neoplastic Syndromes, Hereditary; Tumor predisposition; Hereditary neoplastic syndrome; Hereditary Cancer Syndrome. Identifiers: Orphanet 140162, MedGen C0027672, MeSH D009386, MONDO:0015356.

Submission:

Ambry Genetics
Classification: Pathogenic for Hereditary cancer-predisposing syndrome. Last evaluated: 2019-11-07. Review status: criteria provided, single submitter. Criteria: Ambry Variant Classification Scheme 2023. Collection method: clinical testing. Allele origin: germline.
Comment: The c.672delG pathogenic mutation, located in coding exon 6 of the NBN gene, results from a deletion of one nucleotide at nucleotide position 672, causing a translational frameshift with a predicted alternate stop codon (p.T226Hfs*5). This alteration is expected to result in loss of function by premature protein truncation or nonsense-mediated mRNA decay. As such, this alteration is interpreted as a disease-causing mutation.